The following is an entry in ClinVar:

ClinVar aggregate classification (germline): Uncertain significance. Review status: criteria provided, single submitter (1 of 4 stars). 2 submissions from 2 submitters: Uncertain significance (1). 1 of the submissions does not count toward it. Last evaluated 2023-12-14.

Conditions:
PLXNA2-related disorder. Also called: PLXNA2-related condition.

Allele frequency attached by ClinVar (database versions not stated): gnomAD exomes 0.00001; gnomAD 0.00002; TOPMed 0.00002; ExAC 0.00004.
gnomAD v4.1: 23 of 1,612,830 alleles (0.0014%); highest among the groups gnomAD compares: Admixed American, 0.015%; no homozygotes.

Submissions (2):

Ambry Genetics
Classification: Uncertain significance. Last evaluated: 2023-12-14. Review status: criteria provided, single submitter. Criteria: Ambry Variant Classification Scheme 2023. Collection method: clinical testing. Allele origin: germline.

PreventionGenetics, part of Exact Sciences
Classification: Uncertain significance for PLXNA2-related condition. Last evaluated: 2024-09-06. Review status: no assertion criteria provided. Collection method: clinical testing. Allele origin: germline. Not counted in ClinVar's aggregate classification.
Comment: The PLXNA2 c.4847C>T variant is predicted to result in the amino acid substitution p.Thr1616Met. To our knowledge, this variant has not been reported in the literature. This variant is reported in 0.017% of alleles in individuals of Latino descent in gnomAD. At this time, the clinical significance of this variant is uncertain due to the absence of conclusive functional and genetic evidence.

NM_025179.4(PLXNA2):c.4847C>T (p.Thr1616Met)

Gene: PLXNA2 (plexin A2; minus strand). Cytogenetic location: 1q32.2.
Variant type: single nucleotide variant.
Coding change: c.4847C>T on transcript NM_025179.4 (MANE Select); coding-DNA position 4847, C replaced by T.
Protein change: p.Thr1616Met; replaces threonine 1616 with methionine.
Molecular consequence: missense variant.
Genome position (GRCh38, 1-based): chr1:208,034,510, G>A on the plus strand (C>T on the coding strand, the complement: PLXNA2 is on the minus strand). VCF-style: chr1-208034510-G-A. GRCh37 (hg19) VCF-style: chr1-208207855-G-A.
Other names: short protein forms T1616M.
Identifiers: ClinVar variation 3215544 (VCV003215544.2), dbSNP rs748532278, ClinGen allele CA1372746.